The following is an entry in ClinVar:

ClinVar aggregate classification (germline): Uncertain significance (1 of 4 stars; one submission).

Submission:

Ambry Genetics
Classification: Uncertain significance. Last evaluated: 2025-05-17. Review status: criteria provided, single submitter. Criteria: Ambry Variant Classification Scheme 2023. Collection method: clinical testing. Allele origin: germline.
Comment: The p.V2137M variant (also known as c.6409G>A), located in coding exon 27 of the WNK2 gene, results from a G to A substitution at nucleotide position 6409. The valine at codon 2137 is replaced by methionine, an amino acid with highly similar properties. This amino acid position is conserved. In addition, this alteration is predicted to be tolerated by in silico analysis. Based on the available evidence, the clinical significance of this variant remains unclear.

NM_006648.4(WNK2):c.6409G>A (p.Val2137Met)

Gene: WNK2 (WNK lysine deficient protein kinase 2; plus strand). Cytogenetic location: 9q22.31.
Variant type: single nucleotide variant.
Coding change: c.6409G>A on transcript NM_006648.4 (MANE Select); coding-DNA position 6409, G replaced by A.
Protein change: p.Val2137Met; replaces valine 2137 with methionine.
Molecular consequence: missense variant.
Genome position (GRCh38, 1-based): chr9:93,308,477, G>A. VCF-style: chr9-93308477-G-A. GRCh37 (hg19) VCF-style: chr9-96070759-G-A.
Other names: c.6520G>A, p.Val2174Met (NM_001282394.3); short protein forms V2174M, V2137M.
Identifiers: ClinVar variation 3982052 (VCV003982052.1).